The following is an entry in ClinVar:

ClinVar aggregate classification (germline): Likely benign. Review status: criteria provided, multiple submitters, no conflicts (2 of 4 stars). 2 submissions from 2 submitters: Likely benign (2). Last evaluated 2024-05-06.

Allele frequency attached by ClinVar (database versions not stated): ExAC 0.00001; gnomAD exomes 0.00002; TOPMed 0.00002; ESP Exome Variant Server 0.00008.
gnomAD v4.1: 31 of 1,614,240 alleles (0.0019%); highest among the groups gnomAD compares: Non-Finnish European, 0.0022%; no homozygotes.

Submissions (2):

Labcorp Genetics (formerly Invitae), Labcorp
Classification: Likely benign. Last evaluated: 2024-05-06. Review status: criteria provided, single submitter. Criteria: Invitae Variant Classification Sherloc (09022015). Collection method: clinical testing. Allele origin: germline.

CeGaT Center for Human Genetics Tuebingen
Classification: Likely benign. Last evaluated: 2023-07-01. Review status: criteria provided, single submitter. Criteria: CeGaT Center For Human Genetics Tuebingen Variant Classification Criteria Version 2. Collection method: clinical testing. Allele origin: germline. Affected: yes. Observed: 2 variant alleles.
Comment: CAD: BP4, BP7

NM_004341.5(CAD):c.2680C>T (p.Leu894=)

Genes: CAD (carbamoyl-phosphate synthetase 2, aspartate transcarbamylase, and dihydroorotase; plus strand), LOC126806171 (BRD4-independent group 4 enhancer GRCh37_chr2:27454350-27455549; plus strand). Cytogenetic location: 2p23.3.
Variant type: single nucleotide variant.
Coding change: c.2680C>T on transcript NM_004341.5 (MANE Select); coding-DNA position 2680, C replaced by T.
Protein change: p.Leu894=; no amino-acid change (leucine 894 retained).
Molecular consequence: synonymous variant.
Genome position (GRCh38, 1-based): chr2:27,232,482, C>T. VCF-style: chr2-27232482-C-T. GRCh37 (hg19) VCF-style: chr2-27455350-C-T.
Other names: c.2491C>T, p.Leu831= (NM_001306079.2).
Identifiers: ClinVar variation 1673219 (VCV001673219.37), dbSNP rs369582294, ClinGen allele CA1573088.